The following is an entry in ClinVar:

NM_022124.6(CDH23):c.4713C>A (p.Asn1571Lys)

Gene: CDH23 (cadherin related 23; plus strand). Cytogenetic location: 10q22.1.
Variant type: single nucleotide variant.
Coding change: c.4713C>A on transcript NM_022124.6 (MANE Select); coding-DNA position 4713, C replaced by A.
Protein change: p.Asn1571Lys; replaces asparagine 1571 with lysine.
Molecular consequence: missense variant.
Genome position (GRCh38, 1-based): chr10:71,741,789, C>A. VCF-style: chr10-71741789-C-A. GRCh37 (hg19) VCF-style: chr10-73501546-C-A.
Other names: short protein forms N1571K.
Identifiers: ClinVar variation 5003099 (VCV005003099.1).

ClinVar aggregate classification (germline): Uncertain significance (1 of 4 stars; one submission).

Conditions:
Autosomal recessive nonsyndromic hearing loss 12. Also called: DEAFNESS, AUTOSOMAL RECESSIVE 12. Identifiers: Orphanet 90636, MedGen C1832394, MONDO:0011067, OMIM 601386.

Submission:

OLLIN Analises Genomicas, OLLIN
Classification: Uncertain significance for Autosomal recessive nonsyndromic hearing loss 12. Last evaluated: 2026-08-06. Review status: criteria provided, single submitter. Criteria: ACMG Guidelines 2015 PMID 25741868. Collection method: clinical testing. Allele origin: germline. Inheritance: Autosomal recessive inheritance.
Comment: This missense variant, located in exon 38 (of 70), is absent from gnomAD and ClinVar and has not been identified in the literature. In silico analysis is inconclusive regarding the impact of this variant. According to the currently available evidence, this variant has been classified as uncertain significance (PM2_P).